The following is an entry in ClinVar:

ClinVar aggregate classification (germline): Likely benign (1 of 4 stars; one submission).

Submission:

CeGaT Center for Human Genetics Tuebingen
Classification: Likely benign. Last evaluated: 2024-07-01. Review status: criteria provided, single submitter. Criteria: CeGaT Center For Human Genetics Tuebingen Variant Classification Criteria Version 2. Collection method: clinical testing. Allele origin: germline. Affected: yes. Observed: 1 variant allele.
Comment: HCN1: PM2:Supporting, BP4, BP7

NM_021072.4(HCN1):c.1689A>C (p.Ser563=)

Gene: HCN1 (hyperpolarization activated cyclic nucleotide gated potassium channel 1; minus strand). Cytogenetic location: 5p12.
Variant type: single nucleotide variant.
Coding change: c.1689A>C on transcript NM_021072.4 (MANE Select); coding-DNA position 1689, A replaced by C.
Protein change: p.Ser563=; no amino-acid change (serine 563 retained).
Molecular consequence: synonymous variant.
Genome position (GRCh38, 1-based): chr5:45,267,183, T>G on the plus strand (A>C on the coding strand, the complement: HCN1 is on the minus strand). VCF-style: chr5-45267183-T-G. GRCh37 (hg19) VCF-style: chr5-45267285-T-G.
Identifiers: ClinVar variation 3257529 (VCV003257529.17).
Genomic context (GRCh38, chr5:45,267,183, plus strand): 5'-AAAGGCTCTCCTCATCATTGGATATTCCTCCAGGACCTCGTTGAAATTGTCCACGGAAAG[T>G]GAGTAAAGACGACAATATGTATCAGCTCGAACACTGGCAGTACGACGTCCTTTGGTCAGC-3'
Protein context (NP_066550.2, residues 553-573): VRADTYCRLY[Ser563=]LSVDNFNEVL